The following is an entry in ClinVar:

NM_006506.5(RASA2):c.1162G>A (p.Asp388Asn)

Gene: RASA2 (RAS p21 protein activator 2; plus strand). Cytogenetic location: 3q23.
Variant type: single nucleotide variant.
Coding change: c.1162G>A on transcript NM_006506.5 (MANE Select); coding-DNA position 1162, G replaced by A.
Protein change: p.Asp388Asn; replaces aspartic acid 388 with asparagine.
Molecular consequence: missense variant.
Genome position (GRCh38, 1-based): chr3:141,571,547, G>A. VCF-style: chr3-141571547-G-A. GRCh37 (hg19) VCF-style: chr3-141290389-G-A.
Other names: c.1162G>A, p.Asp388Asn (NM_001303245.3, NM_001303246.3); short protein forms D388N.
Identifiers: ClinVar variation 3430498 (VCV003430498.3).

ClinVar aggregate classification (germline): Uncertain significance. Review status: criteria provided, multiple submitters, no conflicts (2 of 4 stars). 2 submissions from 2 submitters: Uncertain significance (2). Last evaluated 2024-11-10.

Submissions (2):

Ambry Genetics
Classification: Uncertain significance. Last evaluated: 2024-11-10. Review status: criteria provided, single submitter. Criteria: Ambry Variant Classification Scheme 2023. Collection method: clinical testing. Allele origin: germline.

Labcorp Genetics (formerly Invitae), Labcorp
Classification: Uncertain significance. Last evaluated: 2024-03-28. Review status: criteria provided, single submitter. Criteria: Invitae Variant Classification Sherloc (09022015). Collection method: clinical testing. Allele origin: germline.
Comment: This sequence change replaces aspartic acid, which is acidic and polar, with asparagine, which is neutral and polar, at codon 388 of the RASA2 protein (p.Asp388Asn). This variant is not present in population databases (gnomAD no frequency). This variant has not been reported in the literature in individuals affected with RASA2-related conditions. Advanced modeling of protein sequence and biophysical properties (such as structural, functional, and spatial information, amino acid conservation, physicochemical variation, residue mobility, and thermodynamic stability) performed at Invitae indicates that this missense variant is not expected to disrupt RASA2 protein function with a negative predictive value of 80%. In summary, the available evidence is currently insufficient to determine the role of this variant in disease. Therefore, it has been classified as a Variant of Uncertain Significance.